The following is an entry in ClinVar:

ClinVar aggregate classification (germline): Uncertain significance (1 of 4 stars; one submission).

Allele frequency attached by ClinVar (database versions not stated): gnomAD exomes below 0.00001 and 0.00001; TOPMed below 0.00001; ExAC 0.00001; gnomAD 0.00001.
gnomAD v4.1: 3 of 1,559,532 alleles (0.00019%); highest among the groups gnomAD compares: African/African-American, 0.0027%; no homozygotes.

Submission:

GeneDx
Classification: Uncertain significance. Last evaluated: 2017-10-19. Review status: criteria provided, single submitter. Criteria: GeneDx Variant Classification (06012015). Collection method: clinical testing. Allele origin: germline. Affected: yes.
Comment: The c.1072-2A>G variant in the PDE11A gene has not been reported previously as a pathogenic variant nor as a benign variant, to our knowledge. This splice site variant is predicted to cause abnormal gene splicing resulting in an in-frame protein product with an abnormal message. However, in the absence of RNA/functional studies, the actual effect of the c.1072-2A>G variant in this individual is unknown. The c.1072-2A>G variant is observed in 2/24032 (0.008%) alleles from individuals of African background in large population cohorts (Lek et al., 2016). We interpret c.1072-2A>G as a variant of uncertain significance.

NM_016953.4(PDE11A):c.1072-2A>G

Gene: PDE11A (phosphodiesterase 11A; minus strand). Cytogenetic location: 2q31.2.
Variant type: single nucleotide variant.
Coding change: c.1072-2A>G on transcript NM_016953.4 (MANE Select); the canonical splice acceptor site of the intron before coding-DNA position 1072, A replaced by G.
Molecular consequence: splice acceptor variant.
Genome position (GRCh38, 1-based): chr2:177,905,189, T>C on the plus strand (A>G on the coding strand, the complement: PDE11A is on the minus strand). VCF-style: chr2-177905189-T-C. GRCh37 (hg19) VCF-style: chr2-178769916-T-C.
Other names: c.322-2A>G (NM_001077197.2); c.-3-2A>G (NM_001077358.2).
Identifiers: ClinVar variation 452772 (VCV000452772.2), dbSNP rs767774556, ClinGen allele CA1982116.